The following is an entry in ClinVar:

ClinVar aggregate classification (germline): Pathogenic/Likely pathogenic. Review status: criteria provided, multiple submitters, no conflicts (2 of 4 stars). 4 submissions from 4 submitters: Pathogenic (3); Likely pathogenic (1). Last evaluated 2025-03-12.

Conditions:
Hereditary spherocytosis type 2. Also called: SPHEROCYTOSIS, TYPE 2, AUTOSOMAL DOMINANT. Identifiers: Orphanet 822, MedGen C2674219, MONDO:0000913, OMIM 616649.

Allele frequency attached by ClinVar (database versions not stated): gnomAD exomes below 0.00001.
gnomAD v4.1: 1 of 1,614,242 alleles (0.000062%); highest among the groups gnomAD compares: Non-Finnish European, 0.000085%; no homozygotes.

Submissions (4):

ARUP Laboratories, Molecular Genetics and Genomics, ARUP Laboratories
Classification: Likely pathogenic. Last evaluated: 2025-03-12. Review status: criteria provided, single submitter. Criteria: ARUP Molecular Germline Variant Investigation Process 2024. Collection method: clinical testing. Allele origin: germline.
Comment: The SPTB c.5114G>A; p.Trp1705Ter variant (ClinVar Variation ID 1708136) is reported in the literature in an individual with spherocytosis (Tole 2020). This variant is absent from the Genome Aggregation Database (v2.1.1), indicating it is not a common polymorphism. This variant induces an early termination codon and is predicted to result in a truncated protein or mRNA subject to nonsense-mediated decay. Based on available information, this variant is considered to be likely pathogenic. References: Tole S et al. Genotype-phenotype correlation in children with hereditary spherocytosis. Br J Haematol. 2020 Nov. PMID: 32436265.

Labcorp Genetics (formerly Invitae), Labcorp
Classification: Pathogenic. Last evaluated: 2024-07-20. Review status: criteria provided, single submitter. Criteria: Invitae Variant Classification Sherloc (09022015). Collection method: clinical testing. Allele origin: germline.
Comment: This sequence change creates a premature translational stop signal (p.Trp1705*) in the SPTB gene. It is expected to result in an absent or disrupted protein product. Loss-of-function variants in SPTB are known to be pathogenic (PMID: 1391962, 1498324, 8844207, 26830532, 27292444). This variant is not present in population databases (gnomAD no frequency). This premature translational stop signal has been observed in individual(s) with hereditary spherocytosis (PMID: 32436265). ClinVar contains an entry for this variant (Variation ID: 1708136). For these reasons, this variant has been classified as Pathogenic.

GeneDx
Classification: Pathogenic. Last evaluated: 2024-06-10. Review status: criteria provided, single submitter. Criteria: GeneDx Variant Classification Process June 2021. Collection method: clinical testing. Allele origin: germline. Affected: yes.
Comment: Has been reported in a patient, who also harbored a variant in the SLC4A1 gene, with hereditary spherocytosis in published literature; familial segregation information and additional clinical information were not included in this report (PMID: 32436265); Nonsense variant predicted to result in protein truncation or nonsense mediated decay in a gene for which loss of function is a known mechanism of disease; Not observed at significant frequency in large population cohorts (gnomAD); This variant is associated with the following publications: (PMID: 32436265)

Laboratory of Medical Genetics, National & Kapodistrian University of Athens
Classification: Pathogenic for Hereditary spherocytosis type 2. Last evaluated: 2022-01-24. Review status: criteria provided, single submitter. Criteria: ACMG Guidelines, 2015. Collection method: clinical testing. Allele origin: de novo. Affected: yes.
Comment: PVS1, PM2, PP3, PP5

Literature cited by the submitters: PubMed 1391962 (cited by Labcorp Genetics (formerly Invitae), Labcorp); PubMed 1498324 (cited by Labcorp Genetics (formerly Invitae), Labcorp); PubMed 8844207 (cited by Labcorp Genetics (formerly Invitae), Labcorp); PubMed 26830532 (cited by Labcorp Genetics (formerly Invitae), Labcorp); PubMed 27292444 (cited by Labcorp Genetics (formerly Invitae), Labcorp); PubMed 32436265 (cited by Labcorp Genetics (formerly Invitae), Labcorp).

NM_001355436.2(SPTB):c.5114G>A (p.Trp1705Ter)

Gene: SPTB (spectrin beta, erythrocytic; minus strand). Cytogenetic location: 14q23.3.
Variant type: single nucleotide variant.
Coding change: c.5114G>A on transcript NM_001355436.2 (MANE Select); coding-DNA position 5114, G replaced by A.
Protein change: p.Trp1705Ter; replaces tryptophan 1705 with a stop codon.
Molecular consequence: nonsense.
Genome position (GRCh38, 1-based): chr14:64,773,284, C>T on the plus strand (G>A on the coding strand, the complement: SPTB is on the minus strand). VCF-style: chr14-64773284-C-T. GRCh37 (hg19) VCF-style: chr14-65240002-C-T.
Other names: NM_000347.5:c.5114G>A; c.5114G>A, p.Trp1705Ter (NM_001024858.4, NM_001355437.2); short protein forms W1705*.
Identifiers: ClinVar variation 1708136 (VCV001708136.5), dbSNP rs2503060526, ClinGen allele CA390041982.